The following is an entry in ClinVar:

ClinVar aggregate classification (germline): Uncertain significance (1 of 4 stars; one submission).

Allele frequency attached by ClinVar (database versions not stated): gnomAD exomes below 0.00001; ESP Exome Variant Server 0.00008.

Submission:

Labcorp Genetics (formerly Invitae), Labcorp
Classification: Uncertain significance. Last evaluated: 2022-07-13. Review status: criteria provided, single submitter. Criteria: Invitae Variant Classification Sherloc (09022015). Collection method: clinical testing. Allele origin: germline.
Comment: This variant, c.10915_10917del, results in the deletion of 1 amino acid(s) of the DNAH9 protein (p.Val3639del), but otherwise preserves the integrity of the reading frame. This variant is not present in population databases (gnomAD no frequency). This variant has not been reported in the literature in individuals affected with DNAH9-related conditions. Experimental studies and prediction algorithms are not available or were not evaluated, and the functional significance of this variant is currently unknown. In summary, the available evidence is currently insufficient to determine the role of this variant in disease. Therefore, it has been classified as a Variant of Uncertain Significance.

NM_001372.4(DNAH9):c.10915_10917del (p.Val3639del)

Genes: DNAH9 (dynein axonemal heavy chain 9; plus strand), LOC101928350 (uncharacterized LOC101928350; minus strand). Cytogenetic location: 17p12.
Variant type: Deletion.
Coding change: c.10915_10917del on transcript NM_001372.4 (MANE Select); coding-DNA positions 10915 to 10917, 3 bases deleted (GTG; older notation c.10915_10917delGTG).
Protein change: p.Val3639del; deletes valine 3639.
Molecular consequence: inframe deletion. On other transcripts: 5 prime UTR variant (1).
Genome position (GRCh38, 1-based): chr17:11,883,694-11,883,696, GTG deleted. VCF-style (leftmost placement, unchanged base first): chr17-11883693-AGTG-A. GRCh37 (hg19) VCF-style: chr17-11787010-AGTG-A.
Other names: c.-150_-148del (NM_004662.2); short protein forms V3639del.
Identifiers: ClinVar variation 2077655 (VCV002077655.1), dbSNP rs1555615049, ClinGen allele CA497881581.
Genomic context (GRCh38, chr17:11,883,693, plus strand): 5'-GTTGGAAGACAGTCTTCTCTCTCGCCTCTCCTCCGCCTCTGGGAACTTCCTGGGAGAAAC[AGTG>A]CTGGTGGAAAACCTAGAGATCACCAAGCAGACTGCTGCCGAAGTTGAGAAAAAGGTAAAA-3'